The following is an entry in ClinVar:

ClinVar aggregate classification (germline): Conflicting classifications of pathogenicity. Review status: criteria provided, conflicting classifications (1 of 4 stars). 4 submissions from 4 submitters: Uncertain significance (3); Likely benign (1). Last evaluated 2025-12-02.

Conditions:
Inborn genetic diseases. Identifiers: MedGen C0950123, MeSH D030342.
VPS13B-related disorder. Also called: VPS13B-related condition.
Cohen syndrome (COH1). Also called: Cutis verticis gyrata, retinitis pigmentosa, and sensorineural deafness; PEPPER SYNDROME. Identifiers: Orphanet 193, MedGen C0265223, MONDO:0008999, OMIM 216550.

Allele frequency attached by ClinVar (database versions not stated): TOPMed 0.00003; gnomAD 0.00005; gnomAD exomes 0.00007; ExAC 0.00009; 1000 Genomes Project 0.00020; 1000 Genomes Project 30x 0.00031.
gnomAD v4.1: 113 of 1,614,142 alleles (0.007%); highest among the groups gnomAD compares: South Asian, 0.063%; no homozygotes.

Submissions (4):

PreventionGenetics, part of Exact Sciences
Classification: Uncertain significance for VPS13B-related condition. Last evaluated: 2025-12-02. Review status: criteria provided, single submitter. Criteria: ACMG Guidelines, 2015. Collection method: clinical testing. Allele origin: germline.
Comment: The VPS13B c.10651G>A variant is predicted to result in the amino acid substitution p.Ala3551Thr. To our knowledge, this variant has not been reported in the literature. This variant is reported in 0.082% of alleles in individuals of South Asian descent in gnomAD. Although we suspect that this variant may be benign, at this time, the clinical significance of this variant is uncertain due to the absence of conclusive functional and genetic evidence.

Mayo Clinic Laboratories, Mayo Clinic
Classification: Likely benign. Last evaluated: 2024-11-04. Review status: criteria provided, single submitter. Criteria: ACMG Guidelines, 2015. Collection method: clinical testing. Allele origin: germline. Observed: 2 variant alleles.
Comment: BP1, BP4

Labcorp Genetics (formerly Invitae), Labcorp
Classification: Uncertain significance for Cohen syndrome. Last evaluated: 2022-10-17. Review status: criteria provided, single submitter. Criteria: Invitae Variant Classification Sherloc (09022015). Collection method: clinical testing. Allele origin: germline.
Comment: This sequence change replaces alanine, which is neutral and non-polar, with threonine, which is neutral and polar, at codon 3576 of the VPS13B protein (p.Ala3576Thr). This variant is present in population databases (rs528991858, gnomAD 0.08%). This variant has not been reported in the literature in individuals affected with VPS13B-related conditions. Advanced modeling of protein sequence and biophysical properties (such as structural, functional, and spatial information, amino acid conservation, physicochemical variation, residue mobility, and thermodynamic stability) performed at Invitae indicates that this missense variant is not expected to disrupt VPS13B protein function. In summary, the available evidence is currently insufficient to determine the role of this variant in disease. Therefore, it has been classified as a Variant of Uncertain Significance.

Ambry Genetics
Classification: Uncertain significance for Inborn genetic diseases. Last evaluated: 2021-09-09. Review status: criteria provided, single submitter. Criteria: Ambry Variant Classification Scheme 2023. Collection method: clinical testing. Allele origin: germline.

NM_152564.5(VPS13B):c.10651G>A (p.Ala3551Thr)

Gene: VPS13B (vacuolar protein sorting 13 homolog B; plus strand). Cytogenetic location: 8q22.2.
Variant type: single nucleotide variant.
Coding change: c.10651G>A on transcript NM_152564.5 (MANE Select); coding-DNA position 10651, G replaced by A.
Protein change: p.Ala3551Thr; replaces alanine 3551 with threonine.
Molecular consequence: missense variant.
Genome position (GRCh38, 1-based): chr8:99,854,040, G>A. VCF-style: chr8-99854040-G-A. GRCh37 (hg19) VCF-style: chr8-100866268-G-A.
Other names: p.Ala3576Thr; c.10726G>A, p.Ala3576Thr (NM_017890.5); short protein forms A3551T, A3576T.
Identifiers: ClinVar variation 1783789 (VCV001783789.7), dbSNP rs528991858, ClinGen allele CA4824992.
Genomic context (GRCh38, chr8:99,854,040, plus strand): 5'-GGTCACTCCACACACCTCTCCGGGGGTAAACAGGTGTTGCCCATGCAGGTCACACAGCAC[G>A]CCAGGGCCTTGGTGAATCCTGTGAAGTTACGGAAACTGGTGATCCAGCCAGTAAATTTGC-3'
Protein context (NP_689777.3, residues 3541-3561): QVLPMQVTQH[Ala3551Thr]RALVNPVKLR